The following is an entry in ClinVar:

ClinVar aggregate classification (germline): Pathogenic/Likely pathogenic. Review status: criteria provided, multiple submitters, no conflicts (2 of 4 stars). 3 submissions from 3 submitters: Pathogenic (1); Likely pathogenic (1). 1 of the submissions does not count toward it. Last evaluated 2026-03-04.

Conditions:
Hepatoerythropoietic porphyria (HEP). Identifiers: Orphanet 95159, MedGen C0162569, MONDO:0019799.

Submissions (3):

Dasa
Classification: Likely pathogenic. Last evaluated: 2026-03-04. Review status: criteria provided, single submitter. Criteria: DASA Assertion Criteria. Collection method: clinical testing. Allele origin: germline.
Comment: NM_000374.5(UROD):c.185C>T (p.Pro62Leu) is a missense variant that results in the substitution of proline with leucine. Segregation data support an association with disease in the reported family/families (PMID: 8644733). This variant has been recurrently observed in individuals with UROD-related disorders (PMID: 8644733; PMID: 40534320). Also, this variant is rare in population databases. Computational evidence supports a deleterious effect. Based on the currently available evidence, this variant is classified as likely pathogenic.

Labcorp Genetics (formerly Invitae), Labcorp
Classification: Pathogenic. Last evaluated: 2025-08-10. Review status: criteria provided, single submitter. Criteria: Invitae Variant Classification Sherloc (09022015). Collection method: clinical testing. Allele origin: germline.
Comment: This sequence change replaces proline, which is neutral and non-polar, with leucine, which is neutral and non-polar, at codon 62 of the UROD protein (p.Pro62Leu). This variant is not present in population databases (gnomAD no frequency). This missense change has been observed in individual(s) with autosomal recessive hepatoerythropoietic porphyria or autosomal dominant porphyria cutanea tarda (PMID: 8644733, 10980536; internal data.). It has also been observed to segregate with disease in related individuals. ClinVar contains an entry for this variant (Variation ID: 70). Invitae Evidence Modeling of protein sequence and biophysical properties (such as structural, functional, and spatial information, amino acid conservation, physicochemical variation, residue mobility, and thermodynamic stability) indicates that this missense variant is expected to disrupt UROD protein function with a positive predictive value of 80%. For these reasons, this variant has been classified as Pathogenic.

OMIM
Classification: Pathogenic for PORPHYRIA, HEPATOERYTHROPOIETIC. Last evaluated: 1996-04-01. Review status: no assertion criteria provided. Collection method: literature only. Allele origin: germline. Not counted in ClinVar's aggregate classification.

Literature cited by the submitters: PubMed 8644733 (cited by 3 submitters); PubMed 40534320 (cited by Dasa); PubMed 10980536 (cited by Labcorp Genetics (formerly Invitae), Labcorp).

NM_000374.5(UROD):c.185C>T (p.Pro62Leu)

Gene: UROD (uroporphyrinogen decarboxylase; plus strand). Cytogenetic location: 1p34.1.
Variant type: single nucleotide variant.
Coding change: c.185C>T on transcript NM_000374.5 (MANE Select); coding-DNA position 185, C replaced by T.
Protein change: p.Pro62Leu; replaces proline 62 with leucine.
Molecular consequence: missense variant. On other transcripts: non-coding transcript variant (3).
Genome position (GRCh38, 1-based): chr1:45,013,187, C>T. VCF-style: chr1-45013187-C-T. GRCh37 (hg19) VCF-style: chr1-45478859-C-T.
Other names: short protein forms P62L.
Identifiers: ClinVar variation 70 (VCV000000070.10), dbSNP rs121918060, ClinGen allele CA251374.